The following is an entry in ClinVar:

ClinVar aggregate classification (germline): Uncertain significance (1 of 4 stars; one submission).

Allele frequency attached by ClinVar (database versions not stated): gnomAD exomes below 0.00001.
gnomAD v4.1: 1 of 1,199,920 alleles (0.000083%); highest among the groups gnomAD compares: African/African-American, 0.0017%; no homozygotes.

Submission:

GeneDx
Classification: Uncertain significance. Last evaluated: 2019-09-12. Review status: criteria provided, single submitter. Criteria: GeneDx Variant Classification Process June 2021. Collection method: clinical testing. Allele origin: germline. Affected: yes.
Comment: Has not been previously published as pathogenic or benign to our knowledge; Not observed in large population cohorts (Lek et al., 2016); In-silico analysis, which includes splice predictors and evolutionary conservation, is inconclusive as to whether the variant alters gene splicing. In the absence of RNA/functional studies, the actual effect of this sequence change is unknown.; Occurs in an alternate transcript where no other splice variants have been reported in the Human Gene Mutation Database in association with LAMP2-related disorders (Stenson et al., 2014)

NM_002294.3(LAMP2):c.1093+2434C>T

Gene: LAMP2 (lysosomal associated membrane protein 2; minus strand). Cytogenetic location: Xq24.
Variant type: single nucleotide variant.
Coding change: c.1093+2434C>T on transcript NM_002294.3 (MANE Select); 2434 bases into the intron after coding-DNA position 1093, C replaced by T.
Molecular consequence: intron variant.
Genome position (GRCh38, 1-based): chrX:120,439,296, G>A on the plus strand (C>T on the coding strand, the complement: LAMP2 is on the minus strand). VCF-style: chrX-120439296-G-A. GRCh37 (hg19) VCF-style: chrX-119573151-G-A.
Other names: c.1093+2434C>T (NM_001122606.1); c.1094-3C>T (NM_013995.2).
Identifiers: ClinVar variation 1312306 (VCV001312306.2), dbSNP rs2147277547, ClinGen allele CA2573055075.